The following is an entry in ClinVar:

NM_014946.4(SPAST):c.857del (p.Pro286fs)

Gene: SPAST (spastin; plus strand). Cytogenetic location: 2p22.3.
Variant type: Deletion.
Coding change: c.857del on transcript NM_014946.4 (MANE Select); coding-DNA position 857, one base deleted (C; older notation c.857delC).
Protein change: p.Pro286fs; shifts the reading frame from proline 286.
Molecular consequence: frameshift variant.
Genome position (GRCh38, 1-based): chr2:32,114,812, C deleted; the last of 2 consecutive C bases (chr2:32,114,811-32,114,812); deleting either gives the same sequence. VCF-style (leftmost placement, unchanged base first): chr2-32114810-TC-T. GRCh37 (hg19) VCF-style: chr2-32339879-TC-T.
Other names: c.761del, p.Pro254fs (NM_199436.2, NM_001377959.1); c.854del, p.Pro285fs (NM_001363823.2); c.758del, p.Pro253fs (NM_001363875.2); short protein forms P285fs, P254fs, P286fs, P253fs.
Identifiers: ClinVar variation 2064843 (VCV002064843.4), dbSNP rs2465835665, ClinGen allele CA2580066377.

ClinVar aggregate classification (germline): Pathogenic (1 of 4 stars; one submission).

Conditions:
Hereditary spastic paraplegia 4. Also called: Spastic paraplegia 4, autosomal dominant; Familial spastic paraplegia autosomal dominant 2; Spastic Paraplegia 4. Identifiers: Orphanet 100985, MedGen C1866855, MONDO:0008438, OMIM 182601.

Submission:

Labcorp Genetics (formerly Invitae), Labcorp
Classification: Pathogenic for Hereditary spastic paraplegia 4. Last evaluated: 2022-02-19. Review status: criteria provided, single submitter. Criteria: Invitae Variant Classification Sherloc (09022015). Collection method: clinical testing. Allele origin: germline.
Comment: This sequence change creates a premature translational stop signal (p.Pro286Leufs*29) in the SPAST gene. It is expected to result in an absent or disrupted protein product. Loss-of-function variants in SPAST are known to be pathogenic (PMID: 20932283). This variant is not present in population databases (gnomAD no frequency). This variant has not been reported in the literature in individuals affected with SPAST-related conditions. For these reasons, this variant has been classified as Pathogenic.

Literature cited by the submitters: PubMed 20932283.